The following is an entry in ClinVar:

NM_001323289.2(CDKL5):c.199C>T (p.Leu67Phe)

Gene: CDKL5 (cyclin dependent kinase like 5; plus strand). Cytogenetic location: Xp22.13.
Variant type: single nucleotide variant.
Coding change: c.199C>T on transcript NM_001323289.2 (MANE Select); coding-DNA position 199, C replaced by T.
Protein change: p.Leu67Phe; replaces leucine 67 with phenylalanine.
Molecular consequence: missense variant.
Genome position (GRCh38, 1-based): chrX:18,575,407, C>T. VCF-style: chrX-18575407-C-T. GRCh37 (hg19) VCF-style: chrX-18593527-C-T.
Other names: NM_001323289.2(CDKL5):c.199C>T; p.Leu67Phe; c.199C>T, p.Leu67Phe (NM_001037343.2, NM_003159.3); short protein forms L67F.
Identifiers: ClinVar variation 143791 (VCV000143791.13), dbSNP rs267608437, ClinGen allele CA170464.

ClinVar aggregate classification (germline): Uncertain significance. Review status: reviewed by expert panel (3 of 4 stars). 5 submissions from 5 submitters: Uncertain significance (1). 4 of the submissions do not count toward it. Last evaluated 2025-05-07.

Conditions:
CDKL5 disorder. Identifiers: MedGen CN296942, MONDO:0100039.
Developmental and epileptic encephalopathy, 2 (DEE2). Also called: INFANTILE SPASM SYNDROME, X-LINKED 2; CDKL5 deficiency disorder. Identifiers: Orphanet 1934, Orphanet 3451, Orphanet 505652, MedGen C4750718, MONDO:0010396, OMIM 300672.
Angelman syndrome-like. Identifiers: MedGen CN128785.
Rett syndrome (RTT). Also called: Rett's disorder; AUTISM, DEMENTIA, ATAXIA, AND LOSS OF PURPOSEFUL HAND USE. Identifiers: Orphanet 3095, Orphanet 778, MedGen C0035372, MONDO:0010726, OMIM 312750.

Submissions (5):

ClinGen Rett and Angelman-like Disorders Variant Curation Expert Panel
Classification: Uncertain significance for CDKL5 disorder. Last evaluated: 2025-05-07. Review status: reviewed by expert panel. Criteria: ClinGen RettAS ACMG Specifications CDKL5 V4.1.0. Collection method: curation. Allele origin: germline. Inheritance: X-linked inheritance.
Comment: The p.Leu67Phe variant in CDKL5 is absent from gnomAD v4.1 (PM2_Supporting). Computational prediction analysis tools suggests a deleterious impact; however, this information does not predict clinical significance on its own (PP3). The p.Leu67Phe variant is not currently published and is not present in additional databases (internal and publicly available), therefore, no additional criteria are applicable at this time. In summary, the p.Leu67Phe variant in CDKL5 is classified as a variant of uncertain significance based on the ACMG/AMP criteria (PM2_supporting, PP3). (CDKL5 Specifications v.4.1; curation approved on [5/7/2025])

Centre for Population Genomics, CPG
Classification: Uncertain significance for CDKL5 disorder. Last evaluated: 2024-07-15. Review status: criteria provided, single submitter. Criteria: McKnight et al. (Hum Mutat. 2022). Collection method: curation. Allele origin: germline. Inheritance: X-linked inheritance. Not counted in ClinVar's aggregate classification.
Comment: This variant has been collected from RettBASE and curated to current modified ACMG/AMP criteria. Based on the classification scheme defined by the ClinGen Rett/Angelman-like Expert Panel for Rett/AS-like Disorders Specifications to the ACMG/AMP Variant Interpretation Guidelines VCEP 3.0, this variant is classified as variant of uncertain significance. At least the following criteria are met: This variant is absent from gnomAD (PM2_Supporting).

Labcorp Genetics (formerly Invitae), Labcorp
Classification: Uncertain significance for Developmental and epileptic encephalopathy, 2; Angelman syndrome-like. Last evaluated: 2024-02-16. Review status: criteria provided, single submitter. Criteria: Invitae Variant Classification Sherloc (09022015). Collection method: clinical testing. Allele origin: germline. Not counted in ClinVar's aggregate classification.
Comment: This sequence change replaces leucine, which is neutral and non-polar, with phenylalanine, which is neutral and non-polar, at codon 67 of the CDKL5 protein (p.Leu67Phe). This variant is not present in population databases (gnomAD no frequency). This variant has not been reported in the literature in individuals affected with CDKL5-related conditions. ClinVar contains an entry for this variant (Variation ID: 143791). Advanced modeling of protein sequence and biophysical properties (such as structural, functional, and spatial information, amino acid conservation, physicochemical variation, residue mobility, and thermodynamic stability) performed at Invitae indicates that this missense variant is expected to disrupt CDKL5 protein function with a positive predictive value of 95%. In summary, the available evidence is currently insufficient to determine the role of this variant in disease. Therefore, it has been classified as a Variant of Uncertain Significance.

Genetic Services Laboratory, University of Chicago
Classification: Pathogenic for Epileptic encephalopathy, early infantile, 2. Last evaluated: 2013-02-08. Review status: criteria provided, single submitter. Criteria: ACMG Guidelines, 2007. Collection method: clinical testing. Allele origin: germline. Inheritance: X-linked inheritance. Affected: yes. Not counted in ClinVar's aggregate classification.

RettBASE
Classification: Likely pathogenic for Rett syndrome. Last evaluated: 2016-04-26. Review status: no assertion criteria provided. Collection method: research. Allele origin: de novo. Observed: 1 variant allele. Not counted in ClinVar's aggregate classification.